The following is an entry in ClinVar:

NM_001369268.1(ACAN):c.1460C>T (p.Thr487Ile)

Gene: ACAN (aggrecan; plus strand). Cytogenetic location: 15q26.1.
Variant type: single nucleotide variant.
Coding change: c.1460C>T on transcript NM_001369268.1 (MANE Select); coding-DNA position 1460, C replaced by T.
Protein change: p.Thr487Ile; replaces threonine 487 with isoleucine.
Molecular consequence: missense variant.
Genome position (GRCh38, 1-based): chr15:88,847,273, C>T. VCF-style: chr15-88847273-C-T. GRCh37 (hg19) VCF-style: chr15-89390504-C-T.
Other names: c.1460C>T, p.Thr487Ile (NM_001135.4, NM_013227.4); short protein forms T487I.
Identifiers: ClinVar variation 1490177 (VCV001490177.32), dbSNP rs2141585529, ClinGen allele CA393710563.

ClinVar aggregate classification (germline): Conflicting classifications of pathogenicity. Review status: criteria provided, conflicting classifications (1 of 4 stars). 2 submissions from 2 submitters: Likely pathogenic (1); Uncertain significance (1). Last evaluated 2023-05-01.

Allele frequency attached by ClinVar (database versions not stated): gnomAD exomes below 0.00001.
gnomAD v4.1: 2 of 1,565,150 alleles (0.00013%); highest among the groups gnomAD compares: Non-Finnish European, 0.000086%; no homozygotes.

Submissions (2):

CeGaT Center for Human Genetics Tuebingen
Classification: Uncertain significance. Last evaluated: 2023-05-01. Review status: criteria provided, single submitter. Criteria: CeGaT Center For Human Genetics Tuebingen Variant Classification Criteria Version 2. Collection method: clinical testing. Allele origin: germline. Affected: yes. Observed: 1 variant allele.
Comment: ACAN: PM2, PM6, BP4

Labcorp Genetics (formerly Invitae), Labcorp
Classification: Likely pathogenic. Last evaluated: 2022-06-27. Review status: criteria provided, single submitter. Criteria: Invitae Variant Classification Sherloc (09022015). Collection method: clinical testing. Allele origin: germline.
Comment: This sequence change replaces threonine, which is neutral and polar, with isoleucine, which is neutral and non-polar, at codon 487 of the ACAN protein (p.Thr487Ile). This variant is not present in population databases (gnomAD no frequency). This missense change has been observed in individual(s) with clinical features of ACAN-related conditions (Invitae). In at least one individual the variant was observed to be de novo. Algorithms developed to predict the effect of missense changes on protein structure and function are either unavailable or do not agree on the potential impact of this missense change (SIFT: "Deleterious"; PolyPhen-2: "Not Available"; Align-GVGD: "Class C0"). In summary, the currently available evidence indicates that the variant is pathogenic, but additional data are needed to prove that conclusively. Therefore, this variant has been classified as Likely Pathogenic.